The following is an entry in ClinVar:

ClinVar aggregate classification (germline): Likely benign (1 of 4 stars; one submission).

gnomAD v4.1: 6 of 1,611,218 alleles (0.00037%); highest among the groups gnomAD compares: African/African-American, 0.0013%; no homozygotes.

Submission:

CeGaT Center for Human Genetics Tuebingen
Classification: Likely benign. Last evaluated: 2026-01-01. Review status: criteria provided, single submitter. Criteria: CeGaT Center For Human Genetics Tuebingen Variant Classification Criteria Version 2. Collection method: clinical testing. Allele origin: germline. Affected: yes. Observed: 1 variant allele.
Comment: KMT2D: BP4, BP7

NM_003482.4(KMT2D):c.11223A>G (p.Gln3741=)

Gene: KMT2D (lysine methyltransferase 2D; minus strand). Cytogenetic location: 12q13.12.
Variant type: single nucleotide variant.
Coding change: c.11223A>G on transcript NM_003482.4 (MANE Select); coding-DNA position 11223, A replaced by G.
Protein change: p.Gln3741=; no amino-acid change (glutamine 3741 retained).
Molecular consequence: synonymous variant.
Genome position (GRCh38, 1-based): chr12:49,033,482, T>C on the plus strand (A>G on the coding strand, the complement: KMT2D is on the minus strand). VCF-style: chr12-49033482-T-C. GRCh37 (hg19) VCF-style: chr12-49427265-T-C.
Identifiers: ClinVar variation 4820677 (VCV004820677.4).